The following is an entry in ClinVar:

NM_000548.5(TSC2):c.4334T>C (p.Leu1445Ser)

Gene: TSC2 (TSC complex subunit 2; plus strand). Cytogenetic location: 16p13.3.
Variant type: single nucleotide variant.
Coding change: c.4334T>C on transcript NM_000548.5 (MANE Select); coding-DNA position 4334, T replaced by C.
Protein change: p.Leu1445Ser; replaces leucine 1445 with serine.
Molecular consequence: missense variant.
Genome position (GRCh38, 1-based): chr16:2,084,556, T>C. VCF-style: chr16-2084556-T-C. GRCh37 (hg19) VCF-style: chr16-2134557-T-C.
Other names: c.4133T>C, p.Leu1378Ser (NM_001077183.3); c.4265T>C, p.Leu1422Ser (NM_001114382.3); c.4025T>C, p.Leu1342Ser (NM_001318827.2); c.3989T>C, p.Leu1330Ser (NM_001318829.2); c.3602T>C, p.Leu1201Ser (NM_001318831.2); c.4166T>C, p.Leu1389Ser (NM_001318832.2); c.4136T>C, p.Leu1379Ser (NM_001363528.2); c.4202T>C, p.Leu1401Ser (NM_001370404.1); and 26 more; short protein forms L1178S, L1201S, L1221S, L1409S, L1421S, L1444S, L1179S, L1225S.
Identifiers: ClinVar variation 1992981 (VCV001992981.4), dbSNP rs2544279067, ClinGen allele CA394301449.
Genomic context (GRCh38, chr16:2,084,556, plus strand): 5'-GGGAAAGTGCTGCCTGGTCGGCCTCGGGCGAAGACAGTCGGGGCCAGCCCGAGGGTCCCT[T>C]GCCTTCCAGCTCCCCCCGCTCGCCCAGTGGCCTCCGGCCCCGAGGTTACACCATCTCCGA-3'
Protein context (NP_000539.2, residues 1435-1455): EDSRGQPEGP[Leu1445Ser]PSSSPRSPSG

ClinVar aggregate classification (germline): Uncertain significance (1 of 4 stars; one submission).

Conditions:
Tuberous sclerosis 2 (TSC2). Identifiers: Orphanet 805, MedGen C1860707, MONDO:0013199, OMIM 613254.

Submission:

Labcorp Genetics (formerly Invitae), Labcorp
Classification: Uncertain significance for Tuberous sclerosis 2. Last evaluated: 2022-05-11. Review status: criteria provided, single submitter. Criteria: Invitae Variant Classification Sherloc (09022015). Collection method: clinical testing. Allele origin: germline.
Comment: In summary, the available evidence is currently insufficient to determine the role of this variant in disease. Therefore, it has been classified as a Variant of Uncertain Significance. Advanced modeling of protein sequence and biophysical properties (such as structural, functional, and spatial information, amino acid conservation, physicochemical variation, residue mobility, and thermodynamic stability) performed at Invitae indicates that this missense variant is not expected to disrupt TSC2 protein function. This variant has not been reported in the literature in individuals affected with TSC2-related conditions. This variant is not present in population databases (gnomAD no frequency). This sequence change replaces leucine, which is neutral and non-polar, with serine, which is neutral and polar, at codon 1445 of the TSC2 protein (p.Leu1445Ser).